The following is an entry in ClinVar:

NM_001792.5(CDH2):c.223G>A (p.Glu75Lys)

Gene: CDH2 (cadherin 2; minus strand). Cytogenetic location: 18q12.1.
Variant type: single nucleotide variant.
Coding change: c.223G>A on transcript NM_001792.5 (MANE Select); coding-DNA position 223, G replaced by A.
Protein change: p.Glu75Lys; replaces glutamic acid 75 with lysine.
Molecular consequence: missense variant.
Genome position (GRCh38, 1-based): chr18:28,013,859, C>T on the plus strand (G>A on the coding strand, the complement: CDH2 is on the minus strand). VCF-style: chr18-28013859-C-T. GRCh37 (hg19) VCF-style: chr18-25593823-C-T.
Other names: c.130G>A, p.Glu44Lys (NM_001308176.2); short protein forms E75K, E44K.
Identifiers: ClinVar variation 3265231 (VCV003265231.4).
Genomic context (GRCh38, chr18:28,013,859, plus strand): 5'-GTGGAAAGCTTCTCACGGCATACACCATGCCATCTTCATCCACCTTAAAATCTGCAGGCT[C>T]ACTGCTCTCATATTGTACTTTTCTTTTTCCATTGCAGTTGCTAAACTTCACTGTAAAAGA-3'
Protein context (NP_001783.2, residues 65-85): GKRKVQYESS[Glu75Lys]PADFKVDEDG

ClinVar aggregate classification (germline): Uncertain significance. Review status: criteria provided, multiple submitters, no conflicts (2 of 4 stars). 2 submissions from 2 submitters: Uncertain significance (2). Last evaluated 2026-05-14.

Conditions:
Inborn genetic diseases. Identifiers: MedGen C0950123, MeSH D030342.

gnomAD v4.1: 7 of 1,613,770 alleles (0.00043%); highest among the groups gnomAD compares: East Asian, 0.011%; no homozygotes.

Submissions (2):

Ambry Genetics
Classification: Uncertain significance for Inborn genetic diseases. Last evaluated: 2026-05-14. Review status: criteria provided, single submitter. Criteria: Ambry Variant Classification Scheme 2023. Collection method: clinical testing. Allele origin: germline.
Comment: The p.E75K variant (also known as c.223G>A), located in coding exon 3 of the CDH2 gene, results from a G to A substitution at nucleotide position 223. The glutamic acid at codon 75 is replaced by lysine, an amino acid with similar properties. This amino acid position is conserved. In addition, this alteration is predicted to be tolerated by in silico analysis. Based on the available evidence, the clinical significance of this variant remains unclear.

Labcorp Genetics (formerly Invitae), Labcorp
Classification: Uncertain significance. Last evaluated: 2024-08-29. Review status: criteria provided, single submitter. Criteria: Invitae Variant Classification Sherloc (09022015). Collection method: clinical testing. Allele origin: germline.
Comment: This sequence change replaces glutamic acid, which is acidic and polar, with lysine, which is basic and polar, at codon 75 of the CDH2 protein (p.Glu75Lys). This variant is present in population databases (no rsID available, gnomAD 0.02%). This variant has not been reported in the literature in individuals affected with CDH2-related conditions. An algorithm developed to predict the effect of missense changes on protein structure and function (PolyPhen-2) suggests that this variant is likely to be tolerated. In summary, the available evidence is currently insufficient to determine the role of this variant in disease. Therefore, it has been classified as a Variant of Uncertain Significance.